The following is an entry in ClinVar:

NM_181458.4(PAX3):c.540C>G (p.Ser180Arg)

Gene: PAX3 (paired box 3; minus strand). Cytogenetic location: 2q36.1.
Variant type: single nucleotide variant.
Coding change: c.540C>G on transcript NM_181458.4 (MANE Select); coding-DNA position 540, C replaced by G.
Protein change: p.Ser180Arg; replaces serine 180 with arginine.
Molecular consequence: missense variant.
Genome position (GRCh38, 1-based): chr2:222,294,213, G>C on the plus strand (C>G on the coding strand, the complement: PAX3 is on the minus strand). VCF-style: chr2-222294213-G-C. GRCh37 (hg19) VCF-style: chr2-223158932-G-C.
Other names: c.540C>G (NM_181457.3); c.540C>G, p.Ser180Arg (NM_000438.6, NM_013942.5, NM_181457.4 and 3 more transcripts); c.537C>G, p.Ser179Arg (NM_001127366.3); short protein forms S180R, S179R.
Identifiers: ClinVar variation 504788 (VCV000504788.10), dbSNP rs200679164, ClinGen allele CA2135703.

ClinVar aggregate classification (germline): Conflicting classifications of pathogenicity. Review status: criteria provided, conflicting classifications (1 of 4 stars). 4 submissions from 4 submitters: Uncertain significance (3); Likely benign (1). Last evaluated 2024-11-05.

Conditions:
Inborn genetic diseases. Identifiers: MedGen C0950123, MeSH D030342.
Waardenburg syndrome type 1 (WS1). Also called: Waardenburg Syndrome Type I; WAARDENBURG SYNDROME WITH DYSTOPIA CANTHORUM. Identifiers: Orphanet 894, MedGen C1847800, MONDO:0008670, OMIM 193500.
Craniofacial-deafness-hand syndrome (CDHS). Identifiers: Orphanet 1529, MedGen C1852510, MONDO:0007395, OMIM 122880.
Waardenburg syndrome type 3 (WS3). Also called: Klein-Waardenberg's syndrome; KLEIN-WAARDENBURG SYNDROME; WAARDENBURG SYNDROME WITH UPPER LIMB ANOMALIES. Identifiers: Orphanet 3440, Orphanet 896, MedGen C0079661, MONDO:0007862, OMIM 148820.
Alveolar rhabdomyosarcoma (RMS2). Also called: RHABDOMYOSARCOMA 2; Alveolar rhabdomyosarcoma (disease). Identifiers: Orphanet 780, Orphanet 99756, MedGen C0206655, MONDO:0009994, OMIM 268220, HP:0006779.

Allele frequency attached by ClinVar (database versions not stated): ExAC 0.00008; gnomAD exomes 0.00008; 1000 Genomes Project 30x 0.00016; gnomAD 0.00019 and 0.00020; 1000 Genomes Project 0.00020; TOPMed 0.00026; ESP Exome Variant Server 0.00031.
gnomAD v4.1: 61 of 1,614,226 alleles (0.0038%); highest among the groups gnomAD compares: African/African-American, 0.057%; no homozygotes.

Submissions (4):

Labcorp Genetics (formerly Invitae), Labcorp
Classification: Likely benign. Last evaluated: 2024-11-05. Review status: criteria provided, single submitter. Criteria: Invitae Variant Classification Sherloc (09022015). Collection method: clinical testing. Allele origin: germline.

Ambry Genetics
Classification: Uncertain significance for Inborn genetic diseases. Last evaluated: 2022-01-03. Review status: criteria provided, single submitter. Criteria: Ambry Variant Classification Scheme 2023. Collection method: clinical testing. Allele origin: germline.

Fulgent Genetics
Classification: Uncertain significance for Craniofacial-deafness-hand syndrome; Waardenburg syndrome type 3; Waardenburg syndrome type 1; Alveolar rhabdomyosarcoma. Last evaluated: 2018-10-31. Review status: criteria provided, single submitter. Criteria: ACMG Guidelines, 2015. Collection method: clinical testing. Allele origin: unknown.

Laboratory for Molecular Medicine, Mass General Brigham Personalized Medicine
Classification: Uncertain significance. Last evaluated: 2016-06-02. Review status: criteria provided, single submitter. Criteria: LMM Criteria. Collection method: clinical testing. Allele origin: germline. Observed: 1 variant allele.
Comment: The p.Ser180Arg variant in PAX3 has not been previously reported in individuals with hearing loss or Waardenburg syndrome, but has been identified in 8/10406 Af rican chromosomes by the Exome Aggregation Consortium (ExAC; dbSNP rs200679164). Although this variant has been seen in the gene ral population, its frequency is not high enough to rule out a pathogenic role. Computational prediction tools and conservation analyses do not provide strong s upport for or against an impact to the protein. In summary, the clinical signifi cance of the p.Ser180Arg variant is uncertain.